The following is an entry in ClinVar:

ClinVar aggregate classification (germline): Likely pathogenic. Review status: criteria provided, single submitter (1 of 4 stars). 2 submissions from 2 submitters: Likely pathogenic (1). 1 of the submissions does not count toward it. Last evaluated 2025-08-28.

Conditions:
Propionic acidemia (PROP). Also called: GLYCINEMIA, KETOTIC; HYPERGLYCINEMIA WITH KETOACIDOSIS AND LEUKOPENIA; KETOTIC HYPERGLYCINEMIA. Identifiers: Orphanet 35, MedGen C0268579, MONDO:0011628, OMIM 606054, HP:0003571.

Submissions (2):

Natera, Inc.
Classification: Likely pathogenic for Propionic acidemia. Last evaluated: 2025-08-28. Review status: criteria provided, single submitter. Criteria: Natera Variant Classification Schema (03/2026). Collection method: clinical testing. Allele origin: germline.
Comment: The c.803G>T variant in PCCA is a missense variant predicted to cause substitution of arginine to leucine at amino acid 268. This variant is rare in the general population with a frequency below the threshold expected for the associated phenotype(s). This variant has been observed in one or more individuals affected with the associated recessive disease, as either homozygous or compound heterozygous with a second variant (PMID: 35331292). A different variant at the same position has been determined to be Pathogenic or Likely Pathogenic. Computational prediction algorithms indicate this variant is likely to affect gene or protein function. Given the available evidence, this variant is classified as Likely Pathogenic.

Laboratory of Metabolic Disorders, Peking University First Hospital
Classification: Likely pathogenic for Propionic acidemia. Last evaluated: 2019-05-08. Review status: no assertion criteria provided. Collection method: clinical testing. Allele origin: inherited. Affected: yes. Not counted in ClinVar's aggregate classification.

Literature cited by the submitters: PubMed 35331292 (cited by Natera, Inc.).

NM_000282.4(PCCA):c.803G>T (p.Arg268Leu)

Gene: PCCA (propionyl-CoA carboxylase subunit alpha; plus strand). Cytogenetic location: 13q32.3.
Variant type: single nucleotide variant.
Coding change: c.803G>T on transcript NM_000282.4 (MANE Select); coding-DNA position 803, G replaced by T.
Protein change: p.Arg268Leu; replaces arginine 268 with leucine.
Molecular consequence: missense variant. On other transcripts: 5 prime UTR variant (3), non-coding transcript variant (5).
Genome position (GRCh38, 1-based): chr13:100,262,815, G>T. VCF-style: chr13-100262815-G-T. GRCh37 (hg19) VCF-style: chr13-100915069-G-T.
Other names: c.725G>T, p.Arg242Leu (NM_001127692.3, NM_001352607.2, NM_001352608.2); c.803G>T, p.Arg268Leu (NM_001178004.2, NM_001352605.2, NM_001352606.2 and 1 more transcripts); c.-143G>T (NM_001352610.2, NM_001352611.2, NM_001352612.2); short protein forms R268L, R242L.
Identifiers: ClinVar variation 638025 (VCV000638025.3), dbSNP rs368047060, ClinGen allele CA388694398.